The following is an entry in ClinVar:

NM_170784.3(MKKS):c.697A>C (p.Ile233Leu)

Gene: MKKS (MKKS centrosomal shuttling protein; minus strand). Cytogenetic location: 20p12.2.
Variant type: single nucleotide variant.
Coding change: c.697A>C on transcript NM_170784.3 (MANE Select); coding-DNA position 697, A replaced by C.
Protein change: p.Ile233Leu; replaces isoleucine 233 with leucine.
Molecular consequence: missense variant.
Genome position (GRCh38, 1-based): chr20:10,412,818, T>G on the plus strand (A>C on the coding strand, the complement: MKKS is on the minus strand). VCF-style: chr20-10412818-T-G. GRCh37 (hg19) VCF-style: chr20-10393466-T-G.
Other names: c.697A>C (NM_018848.2); c.697A>C, p.Ile233Leu (NM_018848.3); short protein forms I233L.
Identifiers: ClinVar variation 532031 (VCV000532031.15), dbSNP rs141201812, ClinGen allele CA9763642.

ClinVar aggregate classification (germline): Uncertain significance. Review status: criteria provided, multiple submitters, no conflicts (2 of 4 stars). 6 submissions from 6 submitters: Uncertain significance (6). Last evaluated 2026-06-29.

Conditions:
Bardet-Biedl syndrome 6 (BBS6). Identifiers: Orphanet 110, MedGen C1858054, MONDO:0011523, OMIM 605231.
McKusick-Kaufman syndrome (MKKS). Also called: HYDROMETROCOLPOS SYNDROME; HYDROMETROCOLPOS, POSTAXIAL POLYDACTYLY, AND CONGENITAL HEART MALFORMATION. Identifiers: Orphanet 2473, MedGen C0948368, MONDO:0009367, OMIM 236700.
MKKS-related disorder. Also called: MKKS-related condition; MKKS-related disorders.
Bardet-Biedl syndrome (BBS). Identifiers: Orphanet 110, MedGen C0752166, MONDO:0015229.
Inborn genetic diseases. Identifiers: MedGen C0950123, MeSH D030342.

Allele frequency attached by ClinVar (database versions not stated): gnomAD 0.00016; TOPMed 0.00021; ExAC 0.00024; ESP Exome Variant Server 0.00038; 1000 Genomes Project 0.00040; 1000 Genomes Project 30x 0.00062.
gnomAD v4.1: 564 of 1,614,204 alleles (0.035%); highest among the groups gnomAD compares: Admixed American, 0.058%; no homozygotes.

Submissions (6):

PreventionGenetics, part of Exact Sciences
Classification: Uncertain significance for MKKS-related condition. Last evaluated: 2026-06-29. Review status: criteria provided, single submitter. Criteria: ACMG Guidelines, 2015. Collection method: clinical testing. Allele origin: germline.
Comment: The MKKS c.697A>C variant is predicted to result in the amino acid substitution p.Ile233Leu. To our knowledge, this variant has not been reported in the literature. This variant is reported in 0.054% of alleles in individuals of Latino descent in gnomAD, which may be too common to be a primary cause of disease. Although we suspect that this variant may be benign, at this time, the clinical significance of this variant is uncertain due to the absence of conclusive functional and genetic evidence.

Ambry Genetics
Classification: Uncertain significance for Inborn genetic diseases. Last evaluated: 2025-04-25. Review status: criteria provided, single submitter. Criteria: Ambry Variant Classification Scheme 2023. Collection method: clinical testing. Allele origin: germline.

Blueprint Genetics
Classification: Uncertain significance. Last evaluated: 2024-10-14. Review status: criteria provided, single submitter. Criteria: ACMG Guidelines, 2015. Collection method: clinical testing. Allele origin: germline.

GeneDx
Classification: Uncertain significance. Last evaluated: 2024-05-29. Review status: criteria provided, single submitter. Criteria: GeneDx Variant Classification Process June 2021. Collection method: clinical testing. Allele origin: germline. Affected: yes.
Comment: In silico analysis supports that this missense variant does not alter protein structure/function; Has not been previously published as pathogenic or benign to our knowledge

Fulgent Genetics
Classification: Uncertain significance for McKusick-Kaufman syndrome; Bardet-Biedl syndrome 6. Last evaluated: 2024-04-17. Review status: criteria provided, single submitter. Criteria: ACMG Guidelines, 2015. Collection method: clinical testing. Allele origin: germline.

Labcorp Genetics (formerly Invitae), Labcorp
Classification: Uncertain significance for McKusick-Kaufman syndrome; Bardet-Biedl syndrome. Last evaluated: 2022-10-17. Review status: criteria provided, single submitter. Criteria: Invitae Variant Classification Sherloc (09022015). Collection method: clinical testing. Allele origin: germline.
Comment: This sequence change replaces isoleucine, which is neutral and non-polar, with leucine, which is neutral and non-polar, at codon 233 of the MKKS protein (p.Ile233Leu). This variant is present in population databases (rs141201812, gnomAD 0.05%). This variant has not been reported in the literature in individuals affected with MKKS-related conditions. ClinVar contains an entry for this variant (Variation ID: 532031). Algorithms developed to predict the effect of missense changes on protein structure and function (SIFT, PolyPhen-2, Align-GVGD) all suggest that this variant is likely to be tolerated. In summary, the available evidence is currently insufficient to determine the role of this variant in disease. Therefore, it has been classified as a Variant of Uncertain Significance.